The following is an entry in ClinVar:

NM_000368.5(TSC1):c.3165G>A (p.Arg1055=)

Gene: TSC1 (TSC complex subunit 1; minus strand). Cytogenetic location: 9q34.13.
Variant type: single nucleotide variant.
Coding change: c.3165G>A on transcript NM_000368.5 (MANE Select); coding-DNA position 3165, G replaced by A.
Protein change: p.Arg1055=; no amino-acid change (arginine 1055 retained).
Molecular consequence: synonymous variant.
Genome position (GRCh38, 1-based): chr9:132,896,565, C>T on the plus strand (G>A on the coding strand, the complement: TSC1 is on the minus strand). VCF-style: chr9-132896565-C-T. GRCh37 (hg19) VCF-style: chr9-135771952-C-T.
Other names: c.3162G>A, p.Arg1054= (NM_001162426.2); c.3012G>A, p.Arg1004= (NM_001162427.2); c.2802G>A, p.Arg934= (NM_001362177.2); c.3165G>A (NM_000368.4).
Identifiers: ClinVar variation 1092157 (VCV001092157.11), dbSNP rs2131604362, ClinGen allele CA467812772.

ClinVar aggregate classification (germline): Benign/Likely benign. Review status: criteria provided, multiple submitters, no conflicts (2 of 4 stars). 3 submissions from 3 submitters: Benign (1); Likely benign (2). Last evaluated 2025-04-29.

Conditions:
Hereditary cancer-predisposing syndrome. Also called: Tumor predisposition; Neoplastic Syndromes, Hereditary; Hereditary Cancer Syndrome; Hereditary neoplastic syndrome. Identifiers: Orphanet 140162, MedGen C0027672, MeSH D009386, MONDO:0015356.
Tuberous sclerosis 1 (TSC1). Identifiers: Orphanet 805, MedGen C1854465, MONDO:0008612, OMIM 191100.

Submissions (3):

Myriad Genetics, Inc.
Classification: Benign for Tuberous sclerosis 1. Last evaluated: 2025-04-29. Review status: criteria provided, single submitter. Criteria: Myriad Autosomal Dominant, Autosomal Recessive and X-Linked Classification Criteria (2023). Collection method: clinical testing. Allele origin: unknown.
Comment: This variant is considered benign. This variant is a silent/synonymous amino acid change and it is not expected to impact splicing.

Labcorp Genetics (formerly Invitae), Labcorp
Classification: Likely benign for Tuberous sclerosis 1. Last evaluated: 2024-09-06. Review status: criteria provided, single submitter. Criteria: Invitae Variant Classification Sherloc (09022015). Collection method: clinical testing. Allele origin: germline.

Ambry Genetics
Classification: Likely benign for Hereditary cancer-predisposing syndrome. Last evaluated: 2024-02-24. Review status: criteria provided, single submitter. Criteria: Ambry Variant Classification Scheme 2023. Collection method: clinical testing. Allele origin: germline.